The following is an entry in ClinVar:

NM_005876.5(SPEG):c.1468C>T (p.Leu490Phe)

Gene: SPEG (striated muscle enriched protein kinase; plus strand). Cytogenetic location: 2q35.
Variant type: single nucleotide variant.
Coding change: c.1468C>T on transcript NM_005876.5 (MANE Select); coding-DNA position 1468, C replaced by T.
Protein change: p.Leu490Phe; replaces leucine 490 with phenylalanine.
Molecular consequence: missense variant.
Genome position (GRCh38, 1-based): chr2:219,448,626, C>T. VCF-style: chr2-219448626-C-T. GRCh37 (hg19) VCF-style: chr2-220313348-C-T.
Other names: short protein forms L490F.
Identifiers: ClinVar variation 1502056 (VCV001502056.8), dbSNP rs1336580262, ClinGen allele CA350720075.

ClinVar aggregate classification (germline): Uncertain significance (1 of 4 stars; one submission).

Allele frequency attached by ClinVar (database versions not stated): gnomAD exomes below 0.00001.

Submission:

Labcorp Genetics (formerly Invitae), Labcorp
Classification: Uncertain significance. Last evaluated: 2021-07-07. Review status: criteria provided, single submitter. Criteria: Invitae Variant Classification Sherloc (09022015). Collection method: clinical testing. Allele origin: germline.
Comment: This sequence change replaces leucine with phenylalanine at codon 490 of the SPEG protein (p.Leu490Phe). The leucine residue is highly conserved and there is a small physicochemical difference between leucine and phenylalanine. The frequency data for this variant in the population databases is considered unreliable, as metrics indicate insufficient coverage at this position in the ExAC database. This variant has not been reported in the literature in individuals with SPEG-related conditions. Advanced modeling of protein sequence and biophysical properties (such as structural, functional, and spatial information, amino acid conservation, physicochemical variation, residue mobility, and thermodynamic stability) performed at Invitae indicates that this missense variant is expected to disrupt SPEG protein function. In summary, the available evidence is currently insufficient to determine the role of this variant in disease. Therefore, it has been classified as a Variant of Uncertain Significance.